The following is an entry in ClinVar:

ClinVar aggregate classification (germline): Uncertain significance. Review status: criteria provided, multiple submitters, no conflicts (2 of 4 stars). 2 submissions from 2 submitters: Uncertain significance (2). Last evaluated 2021-09-03.

Conditions:
Autism (AUTS). Also called: Autistic disorder; Autistic disorder of childhood onset. Identifiers: MedGen C0004352, MeSH D001321, MONDO:0005260, OMIM 209850, HP:0000717.
Muscle AMP deaminase deficiency (MMDD). Also called: Myoadenylate deaminase deficiency, myopathy due to; Adenosine monophosphate deaminase 1 deficiency; AMP deaminase 1 deficiency; Adenosine Monophosphate Deaminase 1; ADENOSINE MONOPHOSPHATE DEAMINASE-1 DEFICIENCY, MYOPATHY DUE TO; AMPD1 DEFICIENCY. Identifiers: Orphanet 45, MedGen C3714933, MONDO:0014220, OMIM 615511.

Allele frequency attached by ClinVar (database versions not stated): gnomAD exomes below 0.00001 and 0.00001; ExAC 0.00001; gnomAD 0.00001; 1000 Genomes Project 30x 0.00016; 1000 Genomes Project 0.00020.
gnomAD v4.1: 3 of 1,614,166 alleles (0.00019%); highest among the groups gnomAD compares: East Asian, 0.0045%; no homozygotes.

Submissions (2):

Labcorp Genetics (formerly Invitae), Labcorp
Classification: Uncertain significance for Muscle AMP deaminase deficiency. Last evaluated: 2021-09-03. Review status: criteria provided, single submitter. Criteria: Invitae Variant Classification Sherloc (09022015). Collection method: clinical testing. Allele origin: germline.
Comment: This variant is present in population databases (rs572362619, ExAC 0.01%). This sequence change replaces aspartic acid with valine at codon 203 of the AMPD1 protein (p.Asp203Val). The aspartic acid residue is weakly conserved and there is a large physicochemical difference between aspartic acid and valine. This variant has not been reported in the literature in individuals affected with AMPD1-related conditions. ClinVar contains an entry for this variant (Variation ID: 91878). Algorithms developed to predict the effect of missense changes on protein structure and function are either unavailable or do not agree on the potential impact of this missense change (SIFT: "Deleterious"; PolyPhen-2: "Benign"; Align-GVGD: "Class C0"). In summary, the available evidence is currently insufficient to determine the role of this variant in disease. Therefore, it has been classified as a Variant of Uncertain Significance.

State Key Lab of Medical Genetics, Central South University
Classification: Uncertain significance for Autism. Review status: criteria provided, single submitter. Criteria: Submitter's publication. Collection method: reference population. Allele origin: maternal. Affected: yes.

NM_000036.3(AMPD1):c.509A>T (p.Asp170Val)

Gene: AMPD1 (adenosine monophosphate deaminase 1; minus strand). Cytogenetic location: 1p13.2.
Variant type: single nucleotide variant.
Coding change: c.509A>T on transcript NM_000036.3 (MANE Select); coding-DNA position 509, A replaced by T.
Protein change: p.Asp170Val; replaces aspartic acid 170 with valine.
Molecular consequence: missense variant.
Genome position (GRCh38, 1-based): chr1:114,684,237, T>A on the plus strand (A>T on the coding strand, the complement: AMPD1 is on the minus strand). VCF-style: chr1-114684237-T-A. GRCh37 (hg19) VCF-style: chr1-115226858-T-A.
Other names: c.497A>T, p.Asp166Val (NM_001172626.2); short protein forms D203V, D166V, D170V.
Identifiers: ClinVar variation 91878 (VCV000091878.8), dbSNP rs572362619, ClinGen allele CA170697.
Genomic context (GRCh38, chr1:114,684,237, plus strand): 5'-CATTATGTAAGAGAATTGTTACCTGGATAGAAGCTCTCATTTGCTACCCAAGCCTCACCA[T>A]CAATGTTCCGCAAGTATTTGGAAGGGGTTTTAGGGAACCTCTGAAACGACTTCTGCATGT-3'
Protein context (NP_000027.3, residues 160-180): KTPSKYLRNI[Asp170Val]GEAWVANESF